The following is an entry in ClinVar:

ClinVar aggregate classification (germline): Pathogenic (1 of 4 stars; one submission).

Submission:

Labcorp Genetics (formerly Invitae), Labcorp
Classification: Pathogenic. Last evaluated: 2022-08-22. Review status: criteria provided, single submitter. Criteria: Invitae Variant Classification Sherloc (09022015). Collection method: clinical testing. Allele origin: germline.
Comment: For these reasons, this variant has been classified as Pathogenic. Algorithms developed to predict the effect of missense changes on protein structure and function (SIFT, PolyPhen-2, Align-GVGD) all suggest that this variant is likely to be disruptive. This missense change has been observed in individual(s) with Stargardt Disease (PMID: 23419329; Invitae). In at least one individual the data is consistent with being in trans (on the opposite chromosome) from a pathogenic variant. This variant is not present in population databases (gnomAD no frequency). This sequence change replaces glutamic acid, which is acidic and polar, with aspartic acid, which is acidic and polar, at codon 241 of the ABCA4 protein (p.Glu241Asp).

Literature cited by the submitters: PubMed 23419329.

NM_000350.3(ABCA4):c.723A>T (p.Glu241Asp)

Gene: ABCA4 (ATP binding cassette subfamily A member 4; minus strand). Cytogenetic location: 1p22.1.
Variant type: single nucleotide variant.
Coding change: c.723A>T on transcript NM_000350.3 (MANE Select); coding-DNA position 723, A replaced by T.
Protein change: p.Glu241Asp; replaces glutamic acid 241 with aspartic acid.
Molecular consequence: missense variant.
Genome position (GRCh38, 1-based): chr1:94,098,839, T>A on the plus strand (A>T on the coding strand, the complement: ABCA4 is on the minus strand). VCF-style: chr1-94098839-T-A. GRCh37 (hg19) VCF-style: chr1-94564395-T-A.
Other names: c.723A>T, p.Glu241Asp (NM_001425324.1); short protein forms E241D.
Identifiers: ClinVar variation 2202808 (VCV002202808.4), dbSNP rs2523965705, ClinGen allele CA341289095.
Genomic context (GRCh38, chr1:94,098,839, plus strand): 5'-AAACCCCTCCCTTACCACACGGAAGAGCTTGAAGAAGTCCACGTTGGCATACAGAGTGTC[T>A]TCTATCCACTGTAGGGTGCCCTGGGAGAGGGAGCACAGGGCATAGCGCACCGTCTTTGCC-3'
Protein context (NP_000341.2, residues 231-251): SLSQGTLQWI[Glu241Asp]DTLYANVDFF